The following is an entry in ClinVar:

NM_007103.4(NDUFV1):c.700+6G>C

Gene: NDUFV1 (NADH:ubiquinone oxidoreductase core subunit V1; plus strand). Cytogenetic location: 11q13.2.
Variant type: single nucleotide variant.
Coding change: c.700+6G>C on transcript NM_007103.4 (MANE Select); 6 bases into the intron after coding-DNA position 700, G replaced by C.
Molecular consequence: intron variant.
Genome position (GRCh38, 1-based): chr11:67,610,576, G>C. VCF-style: chr11-67610576-G-C. GRCh37 (hg19) VCF-style: chr11-67378047-G-C.
Other names: c.673+6G>C (NM_001166102.2).
Identifiers: ClinVar variation 2418610 (VCV002418610.5), dbSNP rs749626609, ClinGen allele CA6143248.

ClinVar aggregate classification (germline): Uncertain significance (1 of 4 stars; one submission).

Submission:

Labcorp Genetics (formerly Invitae), Labcorp
Classification: Uncertain significance. Last evaluated: 2023-12-11. Review status: criteria provided, single submitter. Criteria: Invitae Variant Classification Sherloc (09022015). Collection method: clinical testing. Allele origin: germline.
Comment: This sequence change falls in intron 5 of the NDUFV1 gene. It does not directly change the encoded amino acid sequence of the NDUFV1 protein. It affects a nucleotide within the consensus splice site. This variant is present in population databases (rs749626609, gnomAD 0.002%). This variant has not been reported in the literature in individuals affected with NDUFV1-related conditions. ClinVar contains an entry for this variant (Variation ID: 2418610). Variants that disrupt the consensus splice site are a relatively common cause of aberrant splicing (PMID: 17576681, 9536098). Algorithms developed to predict the effect of sequence changes on RNA splicing suggest that this variant is not likely to affect RNA splicing. In summary, the available evidence is currently insufficient to determine the role of this variant in disease. Therefore, it has been classified as a Variant of Uncertain Significance.

Literature cited by the submitters: PubMed 17576681; PubMed 9536098.